The following is an entry in ClinVar:

ClinVar aggregate classification (germline): not provided (0 of 4 stars; one submission).

Allele frequency attached by ClinVar (database versions not stated): TOPMed 0.00190; 1000 Genomes Project 0.00200; 1000 Genomes Project 30x 0.00203.

Submission:

ITMI
No classification provided. Condition: AllHighlyPenetrant. Last evaluated: 2013-09-19. Review status: no classification provided. Collection method: reference population. Allele origin: germline.
Comment: Please see associated publication for description of ethnicities

Literature cited by the submitters: PubMed 24728327.

NM_003820.4(TNFRSF14):c.305-191C>G

Gene: TNFRSF14 (TNF receptor superfamily member 14; plus strand). Cytogenetic location: 1p36.32.
Variant type: single nucleotide variant.
Coding change: c.305-191C>G on transcript NM_003820.4 (MANE Select); 191 bases into the intron before coding-DNA position 305, C replaced by G.
Molecular consequence: intron variant.
Genome position (GRCh38, 1-based): chr1:2,559,632, C>G. VCF-style: chr1-2559632-C-G. GRCh37 (hg19) VCF-style: chr1-2491071-C-G.
Other names: c.305-191C>G (NM_001297605.2).
Identifiers: ClinVar variation 133410 (VCV000133410.1), dbSNP rs143696469, ClinGen allele CA156502.